The following is an entry in ClinVar:

NM_003737.4(DCHS1):c.3064G>T (p.Val1022Leu)

Gene: DCHS1 (dachsous cadherin-related 1; minus strand). Cytogenetic location: 11p15.4.
Variant type: single nucleotide variant.
Coding change: c.3064G>T on transcript NM_003737.4 (MANE Select); coding-DNA position 3064, G replaced by T.
Protein change: p.Val1022Leu; replaces valine 1022 with leucine.
Molecular consequence: missense variant.
Genome position (GRCh38, 1-based): chr11:6,632,448, C>A on the plus strand (G>T on the coding strand, the complement: DCHS1 is on the minus strand). VCF-style: chr11-6632448-C-A. GRCh37 (hg19) VCF-style: chr11-6653679-C-A.
Other names: short protein forms V1022L.
Identifiers: ClinVar variation 4974683 (VCV004974683.1).
Genomic context (GRCh38, chr11:6,632,448, plus strand): 5'-TTGCTCCCTCTGCTGCAAGGTGATAGGTGATAGGGCCCCCATCTGGTGCTTGGGCCTGCA[C>A]TTGCAGGACCTGAGTTCCAGCAGTGGTGCCTGAGGGCAGGTCCACACGGTAGGTAGGGCT-3'
Protein context (NP_003728.1, residues 1012-1032): GTTAGTQVLQ[Val1022Leu]QAQAPDGGPI

ClinVar aggregate classification (germline): Uncertain significance (1 of 4 stars; one submission).

Conditions:
Van Maldergem syndrome 1 (VMLDS1). Also called: Van Maldergem syndrome 1 (VMLDS1). Identifiers: Orphanet 314679, MedGen C4551950, MONDO:0011070, OMIM 601390.

gnomAD v4.1: 2 of 1,600,540 alleles (0.00012%); highest among the groups gnomAD compares: Middle Eastern, 0.033%; no homozygotes.

Submission:

Clinical Genomics Laboratory, Washington University in St. Louis
Classification: Uncertain significance for Van Maldergem syndrome 1. Last evaluated: 2025-11-20. Review status: criteria provided, single submitter. Criteria: ACMG Guidelines, 2015. Collection method: clinical testing. Allele origin: germline.
Comment: A DCHS1 c.3064G>T (p.Val1022Leu) variant was identified at a near heterozygous allelic fraction of 47.6%, a frequency which may be consistent with it being of germline origin. The DCHS1 c.3064G>T (p.Val1022Leu) variant, to our knowledge, has not been reported in the medical literature. This variant is only observed in 2/1,600,540 alleles in the general population (gnomAD v4.1.0), indicating it is not a common variant. Computational predictors suggest that the variant does not impact DCHS1 function. Due to limited information, and based on ACMG/AMP guidelines for variant interpretation (Richards S et al., PMID: 25741868), the clinical significance of this variant is uncertain at this time.